The following is an entry in ClinVar:

ClinVar aggregate classification (germline): Uncertain significance. Review status: criteria provided, multiple submitters, no conflicts (2 of 4 stars). 3 submissions from 3 submitters: Uncertain significance (3). Last evaluated 2025-03-24.

Conditions:
Acrocallosal syndrome (ACLS). Also called: Schinzel syndrome 1; Absence of corpus callosum with unusual facial appearance, mental deficiency, duplication of the halluces and polydactyly; HALLUX DUPLICATION, POSTAXIAL POLYDACTYLY, AND ABSENCE OF CORPUS CALLOSUM. Identifiers: Orphanet 36, MedGen C0796147, MONDO:0008708, OMIM 200990.
Inborn genetic diseases. Identifiers: MedGen C0950123, MeSH D030342.

Allele frequency attached by ClinVar (database versions not stated): TOPMed 0.00002; gnomAD exomes 0.00007 and 0.00013; gnomAD 0.00018 and 0.00019; ExAC 0.00020.

Submissions (3):

Ambry Genetics
Classification: Uncertain significance for Inborn genetic diseases. Last evaluated: 2025-03-24. Review status: criteria provided, single submitter. Criteria: Ambry Variant Classification Scheme 2023. Collection method: clinical testing. Allele origin: germline.

GeneDx
Classification: Uncertain significance. Last evaluated: 2025-02-26. Review status: criteria provided, single submitter. Criteria: GeneDx Variant Classification Process June 2021. Collection method: clinical testing. Allele origin: germline. Affected: yes.
Comment: In silico analysis indicates that this missense variant does not alter protein structure/function; Has not been previously published as pathogenic or benign to our knowledge

Labcorp Genetics (formerly Invitae), Labcorp
Classification: Uncertain significance for Acrocallosal syndrome. Last evaluated: 2022-10-25. Review status: criteria provided, single submitter. Criteria: Invitae Variant Classification Sherloc (09022015). Collection method: clinical testing. Allele origin: germline.
Comment: This sequence change replaces arginine, which is basic and polar, with glutamine, which is neutral and polar, at codon 523 of the KIF7 protein (p.Arg523Gln). This variant is present in population databases (rs769192339, gnomAD 0.07%). This variant has not been reported in the literature in individuals affected with KIF7-related conditions. ClinVar contains an entry for this variant (Variation ID: 1421044). Advanced modeling of protein sequence and biophysical properties (such as structural, functional, and spatial information, amino acid conservation, physicochemical variation, residue mobility, and thermodynamic stability) performed at Invitae indicates that this missense variant is not expected to disrupt KIF7 protein function. In summary, the available evidence is currently insufficient to determine the role of this variant in disease. Therefore, it has been classified as a Variant of Uncertain Significance.

NM_198525.3(KIF7):c.1568G>A (p.Arg523Gln)

Gene: KIF7 (kinesin family member 7; minus strand). Cytogenetic location: 15q26.1.
Variant type: single nucleotide variant.
Coding change: c.1568G>A on transcript NM_198525.3 (MANE Select); coding-DNA position 1568, G replaced by A.
Protein change: p.Arg523Gln; replaces arginine 523 with glutamine.
Molecular consequence: missense variant.
Genome position (GRCh38, 1-based): chr15:89,647,050, C>T on the plus strand (G>A on the coding strand, the complement: KIF7 is on the minus strand). VCF-style: chr15-89647050-C-T. GRCh37 (hg19) VCF-style: chr15-90190281-C-T.
Other names: c.1568G>A (NM_198525.2); short protein forms R523Q.
Identifiers: ClinVar variation 1421044 (VCV001421044.5), dbSNP rs769192339, ClinGen allele CA7728517.